The following is an entry in ClinVar:

ClinVar aggregate classification (germline): Uncertain significance. Review status: criteria provided, multiple submitters, no conflicts (2 of 4 stars). 2 submissions from 2 submitters: Uncertain significance (2). Last evaluated 2025-11-12.

Conditions:
Pitt-Hopkins syndrome (PTHS). Also called: ENCEPHALOPATHY, SEVERE EPILEPTIC, WITH AUTONOMIC DYSFUNCTION; MENTAL RETARDATION, SYNDROMAL, WITH INTERMITTENT HYPERVENTILATION. Identifiers: Orphanet 2896, MedGen C1970431, MONDO:0012589, OMIM 610954.
TCF4-related disorder. Also called: TCF4-related condition.

Allele frequency attached by ClinVar (database versions not stated): gnomAD exomes below 0.00001; gnomAD 0.00001.
gnomAD v4.1: 3 of 1,613,798 alleles (0.00019%); highest among the groups gnomAD compares: Non-Finnish European, 0.00017%; no homozygotes.

Submissions (2):

Labcorp Genetics (formerly Invitae), Labcorp
Classification: Uncertain significance for Pitt-Hopkins syndrome. Last evaluated: 2025-11-12. Review status: criteria provided, single submitter. Criteria: Invitae Variant Classification Sherloc (09022015). Collection method: clinical testing. Allele origin: germline.
Comment: This sequence change replaces methionine, which is neutral and non-polar, with threonine, which is neutral and polar, at codon 233 of the TCF4 protein (p.Met233Thr). This variant is present in population databases (no rsID available, gnomAD 0.004%). This variant has not been reported in the literature in individuals affected with TCF4-related conditions. ClinVar contains an entry for this variant (Variation ID: 1389951). Invitae Evidence Modeling of protein sequence and biophysical properties (such as structural, functional, and spatial information, amino acid conservation, physicochemical variation, residue mobility, and thermodynamic stability) indicates that this missense variant is not expected to disrupt TCF4 protein function with a negative predictive value of 80%. In summary, the available evidence is currently insufficient to determine the role of this variant in disease. Therefore, it has been classified as a Variant of Uncertain Significance.

PreventionGenetics, part of Exact Sciences
Classification: Uncertain significance for TCF4-related condition. Last evaluated: 2025-10-14. Review status: criteria provided, single submitter. Criteria: ACMG Guidelines, 2015. Collection method: clinical testing. Allele origin: germline.
Comment: The TCF4 c.698T>C variant is predicted to result in the amino acid substitution p.Met233Thr. To our knowledge, this variant has not been reported in the literature. This variant is reported in 0.0040% of alleles in individuals of African descent in gnomAD. At this time, the clinical significance of this variant is uncertain due to the absence of conclusive functional and genetic evidence.

NM_001083962.2(TCF4):c.698T>C (p.Met233Thr)

Gene: TCF4 (transcription factor 4; minus strand). Cytogenetic location: 18q21.2.
Variant type: single nucleotide variant.
Coding change: c.698T>C on transcript NM_001083962.2 (MANE Select); coding-DNA position 698, T replaced by C.
Protein change: p.Met233Thr; replaces methionine 233 with threonine.
Molecular consequence: missense variant.
Genome position (GRCh38, 1-based): chr18:55,275,710, A>G on the plus strand (T>C on the coding strand, the complement: TCF4 is on the minus strand). VCF-style: chr18-55275710-A-G. GRCh37 (hg19) VCF-style: chr18-52942941-A-G.
Other names: c.1004T>C, p.Met335Thr (NM_001243226.3); c.626T>C, p.Met209Thr (NM_001243227.2, NM_001306207.1, NM_001369586.1 and 9 more transcripts); c.716T>C, p.Met239Thr (NM_001243228.2); c.692T>C, p.Met231Thr (NM_001243230.2); c.572T>C, p.Met191Thr (NM_001243231.2, NM_001348211.2); c.485T>C, p.Met162Thr (NM_001243232.1, NM_001306208.1); c.308T>C, p.Met103Thr (NM_001243233.2, NM_001330605.3, NM_001348212.2 and 1 more transcripts); c.218T>C, p.Met73Thr (NM_001243234.2, NM_001243235.2, NM_001243236.2 and 2 more transcripts); and 5 more; short protein forms M191T, M209T, M208T, M239T, M103T, M17T, M231T, M232T.
Identifiers: ClinVar variation 1389951 (VCV001389951.9), dbSNP rs1391010086, ClinGen allele CA402701594.